The following is an entry in ClinVar:

ClinVar aggregate classification (germline): Likely benign (0 of 4 stars; one submission).

Conditions:
ITPR2-related disorder. Also called: ITPR2-related condition.

Allele frequency attached by ClinVar (database versions not stated): gnomAD exomes 0.00001; ExAC 0.00002; gnomAD 0.00002; TOPMed 0.00002.
gnomAD v4.1: 18 of 1,586,236 alleles (0.0011%); highest among the groups gnomAD compares: Admixed American, 0.01%; no homozygotes.

Submission:

PreventionGenetics, part of Exact Sciences
Classification: Likely benign for ITPR2-related condition. Last evaluated: 2019-06-10. Review status: no assertion criteria provided. Collection method: clinical testing. Allele origin: germline.
Comment: This variant is classified as likely benign based on ACMG/AMP sequence variant interpretation guidelines (Richards et al. 2015 PMID: 25741868, with internal and published modifications).

NM_002223.4(ITPR2):c.3122+4T>C

Gene: ITPR2 (inositol 1,4,5-trisphosphate receptor type 2; minus strand). Cytogenetic location: 12p11.23.
Variant type: single nucleotide variant.
Coding change: c.3122+4T>C on transcript NM_002223.4 (MANE Select); 4 bases into the intron after coding-DNA position 3122, T replaced by C.
Molecular consequence: intron variant.
Genome position (GRCh38, 1-based): chr12:26,624,295, A>G on the plus strand (T>C on the coding strand, the complement: ITPR2 is on the minus strand). VCF-style: chr12-26624295-A-G. GRCh37 (hg19) VCF-style: chr12-26777228-A-G.
Other names: c.3119+4T>C (NM_001414174.1); c.3122+4T>C (NM_001414175.1).
Identifiers: ClinVar variation 3033587 (VCV003033587.2), dbSNP rs752334090, ClinGen allele CA6489373.
Genomic context (GRCh38, chr12:26,624,295, plus strand): 5'-TCAATAGAATTCTAAGTAAAATGTTATTCACAAGTAAGATAAAGATATATAAATGTTACT[A>G]TACCTTCCCGCAAACATAGTTTCTGCCTGAGCTGCAATTTCATCTATATCAGGAACAATA-3'